The following is an entry in ClinVar:

ClinVar aggregate classification (germline): Likely benign (1 of 4 stars; one submission).

Allele frequency attached by ClinVar (database versions not stated): 1000 Genomes Project 30x 0.00031; TOPMed 0.00032; gnomAD 0.00039; 1000 Genomes Project 0.00040.
gnomAD v4.1: 58 of 152,114 alleles (0.038%); highest among the groups gnomAD compares: South Asian, 0.23%; no homozygotes.

Submission:

CeGaT Center for Human Genetics Tuebingen
Classification: Likely benign. Last evaluated: 2026-09-01. Review status: criteria provided, single submitter. Criteria: CeGaT Center For Human Genetics Tuebingen Variant Classification Criteria Version 2. Collection method: clinical testing. Allele origin: germline. Affected: yes. Observed: 5 variant alleles.
Comment: FGFR1: BS1

NM_023110.3(FGFR1):c.-89+3910A>G

Gene: FGFR1 (fibroblast growth factor receptor 1; minus strand). Cytogenetic location: 8p11.23.
Variant type: single nucleotide variant.
Coding change: c.-89+3910A>G on transcript NM_023110.3 (MANE Select); 3910 bases into the intron after 89 bases upstream of the start codon, A replaced by G.
Molecular consequence: intron variant.
Genome position (GRCh38, 1-based): chr8:38,464,071, T>C on the plus strand (A>G on the coding strand, the complement: FGFR1 is on the minus strand). VCF-style: chr8-38464071-T-C. GRCh37 (hg19) VCF-style: chr8-38321589-T-C.
Other names: c.-89+3910A>G (NM_001354368.2, NM_001354370.2, NM_023106.3 and 4 more transcripts); c.-181+3910A>G (NM_001174064.2); c.-89+3601A>G (NM_001174066.2, NM_001354369.2, NM_001410922.1 and 1 more transcripts); c.-149-2816A>G (NM_001174067.2).
Identifiers: ClinVar variation 2658558 (VCV002658558.24), dbSNP rs574496501, ClinGen allele CA175775244.
Genomic context (GRCh38, chr8:38,464,071, plus strand): 5'-ATATAAAAAATTAGCAATAAGTGGTCAGGCACAATGGCTCACACCTGTAATCCCAGCATT[T>C]TGGGAGGCCGAGGCCAGCGGATTGCTTGAGGTCAGGAGTTCAAGCCCAGCCTGGCCAACA-3'